The following is an entry in ClinVar:

ClinVar aggregate classification (germline): Likely pathogenic. Review status: criteria provided, single submitter (1 of 4 stars). 2 submissions from 2 submitters: Likely pathogenic (1). 1 of the submissions does not count toward it. Last evaluated 2026-08-12.

Conditions:
Autosomal dominant nonsyndromic hearing loss 20. Identifiers: Orphanet 90635, MedGen C1858172, MONDO:0011480, OMIM 604717.

gnomAD v4.1: 2 of 1,614,120 alleles (0.00012%); highest among the groups gnomAD compares: East Asian, 0.0022%; no homozygotes.

Submissions (2):

GeneDx
Classification: Likely pathogenic. Last evaluated: 2026-08-12. Review status: criteria provided, single submitter. Criteria: GeneDx Variant Classification Process June 2021. Collection method: clinical testing. Allele origin: germline.
Comment: Identified in patients with clinical features consistent with an ACTG1-related disorder in published literature (PMID: 13680526, 32341388, 25792668, 38400873, 34599366); Published functional studies suggest a damaging effect on cofilin-induced disassembly of actin filaments (PMID: 19419963); Not observed at significant frequency in large population cohorts (gnomAD); In silico analysis supports that this missense variant has a deleterious effect on protein structure/function; Missense variants in this gene are a common cause of disease and they are underrepresented in the general population; This variant is associated with the following publications: (PMID: 32341388, 38400873, 13680526, 25792668, 34599366, 19419963)

OMIM
Classification: Pathogenic for DEAFNESS, AUTOSOMAL DOMINANT 20. Last evaluated: 2003-11-01. Review status: no assertion criteria provided. Collection method: literature only. Allele origin: germline. Not counted in ClinVar's aggregate classification.

Literature cited by the submitters: PubMed 13680526 (cited by OMIM).

NM_001614.5(ACTG1):c.266C>T (p.Thr89Ile)

Gene: ACTG1 (actin gamma 1; minus strand). Cytogenetic location: 17q25.3.
Variant type: single nucleotide variant.
Coding change: c.266C>T on transcript NM_001614.5 (MANE Select); coding-DNA position 266, C replaced by T.
Protein change: p.Thr89Ile; replaces threonine 89 with isoleucine.
Molecular consequence: missense variant. On other transcripts: non-coding transcript variant (1).
Genome position (GRCh38, 1-based): chr17:81,512,000, G>A on the plus strand (C>T on the coding strand, the complement: ACTG1 is on the minus strand). VCF-style: chr17-81512000-G-A. GRCh37 (hg19) VCF-style: chr17-79479026-G-A.
Other names: c.266C>T, p.Thr89Ile (NM_001199954.3); c.266C>T (NM_001614.3); short protein forms T89I.
Identifiers: ClinVar variation 18315 (VCV000018315.3), dbSNP rs28999111, ClinGen allele CA258154.